The following is an entry in ClinVar:

NM_001853.4(COL9A3):c.1738C>T (p.Pro580Ser)

Gene: COL9A3 (collagen type IX alpha 3 chain; plus strand). Cytogenetic location: 20q13.33.
Variant type: single nucleotide variant.
Coding change: c.1738C>T on transcript NM_001853.4 (MANE Select); coding-DNA position 1738, C replaced by T.
Protein change: p.Pro580Ser; replaces proline 580 with serine.
Molecular consequence: missense variant.
Genome position (GRCh38, 1-based): chr20:62,837,217, C>T. VCF-style: chr20-62837217-C-T. GRCh37 (hg19) VCF-style: chr20-61468569-C-T.
Other names: short protein forms P580S.
Identifiers: ClinVar variation 1362648 (VCV001362648.7), dbSNP rs781030374, ClinGen allele CA9950175.

ClinVar aggregate classification (germline): Uncertain significance. Review status: criteria provided, multiple submitters, no conflicts (2 of 4 stars). 2 submissions from 2 submitters: Uncertain significance (2). Last evaluated 2024-08-05.

Allele frequency attached by ClinVar (database versions not stated): ExAC 0.00001; gnomAD exomes 0.00001.
gnomAD v4.1: 13 of 1,612,318 alleles (0.00081%); highest among the groups gnomAD compares: East Asian, 0.0022%; no homozygotes.

Submissions (2):

Blueprint Genetics
Classification: Uncertain significance. Last evaluated: 2024-08-05. Review status: criteria provided, single submitter. Criteria: ACMG Guidelines, 2015. Collection method: clinical testing. Allele origin: germline.

Labcorp Genetics (formerly Invitae), Labcorp
Classification: Uncertain significance. Last evaluated: 2022-03-10. Review status: criteria provided, single submitter. Criteria: Invitae Variant Classification Sherloc (09022015). Collection method: clinical testing. Allele origin: germline.
Comment: Advanced modeling of protein sequence and biophysical properties (such as structural, functional, and spatial information, amino acid conservation, physicochemical variation, residue mobility, and thermodynamic stability) performed at Invitae indicates that this missense variant is not expected to disrupt COL9A3 protein function. In summary, the available evidence is currently insufficient to determine the role of this variant in disease. Therefore, it has been classified as a Variant of Uncertain Significance. This variant has not been reported in the literature in individuals affected with COL9A3-related conditions. This variant is present in population databases (rs781030374, gnomAD 0.006%). This sequence change replaces proline, which is neutral and non-polar, with serine, which is neutral and polar, at codon 580 of the COL9A3 protein (p.Pro580Ser).